The following is an entry in ClinVar:

ClinVar aggregate classification (germline): Benign. Review status: criteria provided, multiple submitters, no conflicts (2 of 4 stars). 2 submissions from 2 submitters: Benign (2). Last evaluated 2018-06-18.

Allele frequency attached by ClinVar (database versions not stated): gnomAD exomes 0.16943; gnomAD 0.26950 and 0.27786; 1000 Genomes Project 0.28474; TOPMed 0.28935; 1000 Genomes Project 30x 0.29763.
gnomAD v4.1: 97,465 of 483,722 alleles (20%); highest among the groups gnomAD compares: African/African-American, 56%; 14,127 homozygotes.

Submissions (2):

GeneDx
Classification: Benign. Last evaluated: 2018-06-18. Review status: criteria provided, single submitter. Criteria: GeneDx Variant Classification (06012015). Collection method: clinical testing. Allele origin: germline. Affected: yes.
Comment: This variant is considered likely benign or benign based on one or more of the following criteria: it is a conservative change, it occurs at a poorly conserved position in the protein, it is predicted to be benign by multiple in silico algorithms, and/or has population frequency not consistent with disease.

Breakthrough Genomics
Classification: Benign. Review status: criteria provided, single submitter. Criteria: ACMG Guidelines, 2015. Collection method: not provided. Allele origin: germline. Inheritance: Autosomal dominant inheritance. Affected: yes.

NM_001148.6(ANK2):c.4372-264C>T

Gene: ANK2 (ankyrin 2; plus strand). Cytogenetic location: 4q26.
Variant type: single nucleotide variant.
Coding change: c.4372-264C>T on transcript NM_001148.6 (MANE Select); 264 bases into the intron before coding-DNA position 4372, C replaced by T.
Molecular consequence: intron variant.
Genome position (GRCh38, 1-based): chr4:113,348,012, C>T. VCF-style: chr4-113348012-C-T. GRCh37 (hg19) VCF-style: chr4-114269168-C-T.
Other names: c.4357-264C>T (NM_001386186.2, NM_001386148.2); c.4159-264C>T (NM_001354269.3); c.4237-264C>T (NM_001386187.2); c.4230+1990C>T (NM_001386147.1); c.4216-264C>T (NM_001386160.1); c.4321-264C>T (NM_001354254.2); c.4342-264C>T (NM_001354239.2, NM_001354252.2); c.4243-264C>T (NM_001354272.2); and 33 more.
Identifiers: ClinVar variation 683081 (VCV000683081.2), dbSNP rs9968457, ClinGen allele CA15314375.